The following is an entry in ClinVar:

ClinVar aggregate classification (germline): Uncertain significance (1 of 4 stars; one submission).

Conditions:
Inborn genetic diseases. Identifiers: MedGen C0950123, MeSH D030342.

Submission:

Ambry Genetics
Classification: Uncertain significance for Inborn genetic diseases. Last evaluated: 2025-03-27. Review status: criteria provided, single submitter. Criteria: Ambry Variant Classification Scheme 2023. Collection method: clinical testing. Allele origin: germline.
Comment: The c.243C>G (p.H81Q) alteration is located in exon 1 (coding exon 1) of the PTCHD1 gene. This alteration results from a C to G substitution at nucleotide position 243, causing the histidine (H) at amino acid position 81 to be replaced by a glutamine (Q). This variant was not reported in population-based cohorts in the Genome Aggregation Database (gnomAD). This amino acid position is highly conserved in available vertebrate species. This alteration is predicted to be deleterious by in silico analysis. Based on insufficient or conflicting evidence, the clinical significance of this alteration remains unclear.

NM_173495.3(PTCHD1):c.243C>G (p.His81Gln)

Gene: PTCHD1 (patched domain containing 1; plus strand). Cytogenetic location: Xp22.11.
Variant type: single nucleotide variant.
Coding change: c.243C>G on transcript NM_173495.3 (MANE Select); coding-DNA position 243, C replaced by G.
Protein change: p.His81Gln; replaces histidine 81 with glutamine.
Molecular consequence: missense variant.
Genome position (GRCh38, 1-based): chrX:23,335,118, C>G. VCF-style: chrX-23335118-C-G. GRCh37 (hg19) VCF-style: chrX-23353235-C-G.
Other names: short protein forms H81Q.
Identifiers: ClinVar variation 3940015 (VCV003940015.1).